The following is an entry in ClinVar:

ClinVar aggregate classification (germline): Conflicting classifications of pathogenicity. Review status: criteria provided, conflicting classifications (1 of 4 stars). 5 submissions from 5 submitters: Uncertain significance (3); Likely benign (2). Last evaluated 2025-12-29.

Conditions:
SMAD6-related disease. Also called: SMAD6-related condition; SMAD6-related disorder. Identifiers: MedGen CN381596, MONDO:0700324.
Aortic valve disease 2 (AOVD2). Identifiers: MedGen C3542024, MONDO:0013902, OMIM 614823.

Allele frequency attached by ClinVar (database versions not stated): ESP Exome Variant Server 0.00008; gnomAD 0.00015 and 0.00016; 1000 Genomes Project 30x 0.00016; 1000 Genomes Project 0.00020; TOPMed 0.00037.
gnomAD v4.1: 314 of 1,600,588 alleles (0.02%); highest among the groups gnomAD compares: Non-Finnish European, 0.025%; no homozygotes.

Submissions (5):

Labcorp Genetics (formerly Invitae), Labcorp
Classification: Uncertain significance for Aortic valve disease 2. Last evaluated: 2025-12-29. Review status: criteria provided, single submitter. Criteria: Invitae Variant Classification Sherloc (09022015). Collection method: clinical testing. Allele origin: germline.
Comment: This sequence change replaces serine, which is neutral and polar, with threonine, which is neutral and polar, at codon 333 of the SMAD6 protein (p.Ser333Thr). This variant is present in population databases (rs199531653, gnomAD 0.02%). This missense change has been observed in individual(s) with craniosynostosis (PMID: 32499606). ClinVar contains an entry for this variant (Variation ID: 471766). Invitae Evidence Modeling of protein sequence and biophysical properties (such as structural, functional, and spatial information, amino acid conservation, physicochemical variation, residue mobility, and thermodynamic stability) indicates that this missense variant is not expected to disrupt SMAD6 protein function with a negative predictive value of 80%. Experimental studies have shown that this missense change does not substantially affect SMAD6 function (PMID: 32499606). In summary, the available evidence is currently insufficient to determine the role of this variant in disease. Therefore, it has been classified as a Variant of Uncertain Significance.

PreventionGenetics, part of Exact Sciences
Classification: Uncertain significance for SMAD6-related condition. Last evaluated: 2025-10-01. Review status: criteria provided, single submitter. Criteria: ACMG Guidelines, 2015. Collection method: clinical testing. Allele origin: germline.
Comment: The SMAD6 c.998G>C variant is predicted to result in the amino acid substitution p.Ser333Thr. This variant has been reported in a patient with craniosynostosis, although clinical features and sufficient evidence to determine pathogenicity was not presented (Table S2, Calpena et al 2020. PubMed ID: 32499606). This variant was also observed in a family with cardiac and hand anomalies, however this variant did not segregate with disease and variant in LMNA gene was determined to be causative (Table S3, Figure S2, Zaragoza et al. 2016. PubMed ID: 27723096). This variant is reported in 0.022% of alleles in individuals of European (Non-Finnish) descent in gnomAD, including 28 heterozygous individuals, which may be to high to be causative for autosomal dominant disorder. Although we suspect that this variant may be benign, at this time, the clinical significance of this variant is uncertain due to the absence of conclusive functional and genetic evidence.

Women's Health and Genetics/Laboratory Corporation of America, LabCorp
Classification: Likely benign. Last evaluated: 2025-03-31. Review status: criteria provided, single submitter. Criteria: LabCorp Variant Classification Summary - May 2015. Collection method: clinical testing. Allele origin: germline.
Comment: Variant summary: SMAD6 c.998G>C (p.Ser333Thr) results in a conservative amino acid change in the encoded protein sequence. Three of five in-silico tools predict a benign effect of the variant on protein function. The variant allele was found at a frequency of 0.0001 in 229762 control chromosomes. The observed variant frequency is approximately 3.34 fold of the estimated maximal expected allele frequency for a pathogenic variant in SMAD6 causing Aortic Valve Disease phenotype (3.1e-05). c.998G>C has been reported in the literature in individuals affected with Aortic Valve Disease. These report(s) do not provide unequivocal conclusions about association of the variant with Aortic Valve Disease. At least one publication reports experimental evidence evaluating an impact on protein function, however, does not allow convincing conclusions about the variant effect. ClinVar contains an entry for this variant (Variation ID: 471766). Based on the evidence outlined above, the variant was classified as likely benign.

Blueprint Genetics
Classification: Likely benign. Last evaluated: 2024-07-02. Review status: criteria provided, single submitter. Criteria: ACMG Guidelines, 2015. Collection method: clinical testing. Allele origin: germline.

GeneDx
Classification: Uncertain significance. Last evaluated: 2021-03-30. Review status: criteria provided, single submitter. Criteria: GeneDx Variant Classification Process June 2021. Collection method: clinical testing. Allele origin: germline. Affected: yes.
Comment: In silico analysis supports that this missense variant does not alter protein structure/function; Identified in a patient with craniosynostosis in published literature; however, the variant did not appear to negatively affect SMAD6 inhibitory function on luciferase assay (Calpena et al., 2020); This variant is associated with the following publications: (PMID: 32499606)

Literature cited by the submitters: PubMed 32499606 (cited by Labcorp Genetics (formerly Invitae), Labcorp and Women's Health and Genetics/Laboratory Corporation of America, LabCorp); PubMed 25931334 (cited by Women's Health and Genetics/Laboratory Corporation of America, LabCorp); PubMed 27723096 (cited by Women's Health and Genetics/Laboratory Corporation of America, LabCorp).

NM_005585.5(SMAD6):c.998G>C (p.Ser333Thr)

Gene: SMAD6 (SMAD family member 6; plus strand). Cytogenetic location: 15q22.31.
Variant type: single nucleotide variant.
Coding change: c.998G>C on transcript NM_005585.5 (MANE Select); coding-DNA position 998, G replaced by C.
Protein change: p.Ser333Thr; replaces serine 333 with threonine.
Molecular consequence: missense variant. On other transcripts: non-coding transcript variant (1).
Genome position (GRCh38, 1-based): chr15:66,781,042, G>C. VCF-style: chr15-66781042-G-C. GRCh37 (hg19) VCF-style: chr15-67073380-G-C.
Other names: short protein forms S333T.
Identifiers: ClinVar variation 471766 (VCV000471766.16), dbSNP rs199531653, ClinGen allele CA7626701.